The following is an entry in ClinVar:

ClinVar aggregate classification (germline): Likely benign. Review status: criteria provided, single submitter (1 of 4 stars). 2 submissions from 2 submitters: Likely benign (1). 1 of the submissions does not count toward it. Last evaluated 2026-01-12.

Conditions:
PHIP-related disorder. Also called: PHIP-related disorders; PHIP-related condition.

gnomAD v4.1: 57 of 1,608,752 alleles (0.0035%); highest among the groups gnomAD compares: Non-Finnish European, 0.0042%; no homozygotes.

Submissions (2):

Labcorp Genetics (formerly Invitae), Labcorp
Classification: Likely benign. Last evaluated: 2026-01-12. Review status: criteria provided, single submitter. Criteria: Invitae Variant Classification Sherloc (09022015). Collection method: clinical testing. Allele origin: germline.

PreventionGenetics, part of Exact Sciences
Classification: Likely benign for PHIP-related condition. Last evaluated: 2023-09-10. Review status: no assertion criteria provided. Collection method: clinical testing. Allele origin: germline. Not counted in ClinVar's aggregate classification.
Comment: This variant is classified as likely benign based on ACMG/AMP sequence variant interpretation guidelines (Richards et al. 2015 PMID: 25741868, with internal and published modifications).

NM_017934.7(PHIP):c.40+10G>C

Genes: PHIP (PHIP subunit of CUL4-Ring ligase complex; minus strand), LOC129996745 (ATAC-STARR-seq lymphoblastoid silent region 17346; plus strand). Cytogenetic location: 6q14.1.
Variant type: single nucleotide variant.
Coding change: c.40+10G>C on transcript NM_017934.7 (MANE Select); 10 bases into the intron after coding-DNA position 40, G replaced by C.
Molecular consequence: intron variant.
Genome position (GRCh38, 1-based): chr6:79,078,019, C>G on the plus strand (G>C on the coding strand, the complement: PHIP is on the minus strand). VCF-style: chr6-79078019-C-G. GRCh37 (hg19) VCF-style: chr6-79787736-C-G.
Identifiers: ClinVar variation 3050885 (VCV003050885.3), dbSNP rs569815862, ClinGen allele CA3900503.
Genomic context (GRCh38, chr6:79,078,019, plus strand): 5'-GGCGGCGGGGGGCGGGGGACCGCGGGCGGAATCGCCCGGTGCCAGCGGCCCCGGCAGCCC[C>G]CCGACTTACCCGATCGCAGCTCCGAGAGGCCTTTCCTCTCACAAGACATGTTTATGGGTC-3'